The following is an entry in ClinVar:

NM_000925.4(PDHB):c.790G>A (p.Glu264Lys)

Gene: PDHB (pyruvate dehydrogenase E1 subunit beta; minus strand). Cytogenetic location: 3p14.3.
Variant type: single nucleotide variant.
Coding change: c.790G>A on transcript NM_000925.4 (MANE Select); coding-DNA position 790, G replaced by A.
Protein change: p.Glu264Lys; replaces glutamic acid 264 with lysine.
Molecular consequence: missense variant. On other transcripts: non-coding transcript variant (1).
Genome position (GRCh38, 1-based): chr3:58,429,710, C>T on the plus strand (G>A on the coding strand, the complement: PDHB is on the minus strand). VCF-style: chr3-58429710-C-T. GRCh37 (hg19) VCF-style: chr3-58415437-C-T.
Other names: c.736G>A, p.Glu246Lys (NM_001173468.2, NM_001315536.2); c.790G>A (NM_000925.3); short protein forms E246K, E264K.
Identifiers: ClinVar variation 3336577 (VCV003336577.2).

ClinVar aggregate classification (germline): Uncertain significance. Review status: criteria provided, multiple submitters, no conflicts (2 of 4 stars). 2 submissions from 2 submitters: Uncertain significance (2). Last evaluated 2024-10-02.

gnomAD v4.1: 21 of 1,591,184 alleles (0.0013%); highest among the groups gnomAD compares: Non-Finnish European, 0.0016%; no homozygotes.

Submissions (2):

GeneDx
Classification: Uncertain significance. Last evaluated: 2024-10-02. Review status: criteria provided, single submitter. Criteria: GeneDx Variant Classification Process June 2021. Collection method: clinical testing. Allele origin: germline. Affected: yes.
Comment: Not observed at significant frequency in large population cohorts (gnomAD); In silico analysis supports that this missense variant has a deleterious effect on protein structure/function; In silico analysis is inconclusive as to whether the variant alters gene splicing. In the absence of RNA/functional studies, the actual effect of this sequence change is unknown.; Clinical information on the individual and/or family was not provided (PMID: 33726816); This variant is associated with the following publications: (PMID: 33726816)

Women's Health and Genetics/Laboratory Corporation of America, LabCorp
Classification: Uncertain significance. Last evaluated: 2024-05-15. Review status: criteria provided, single submitter. Criteria: LabCorp Variant Classification Summary - May 2015. Collection method: clinical testing. Allele origin: germline.
Comment: Variant summary: PDHB c.790G>A (p.Glu264Lys) results in a conservative amino acid change located in the Transketolase, C-terminal domain (IPR033248) of the encoded protein sequence. Four of five in-silico tools predict a damaging effect of the variant on protein function. Several computational tools predict a significant impact on normal splicing: One predict the variant strengthens a 5' donor site. One predict the variant creates a 5' donor site. However, these predictions have yet to be confirmed by functional studies. The variant allele was found at a frequency of 2.4e-05 in 251388 control chromosomes. The available data on variant occurrences in the general population are insufficient to allow any conclusion about variant significance. c.790G>A has been reported in the literature in compound heterozygous state with a pathogenic variant in an individual affected with Pyruvate Dehydrogenase E1-Beta Deficiency (Stranneheim_2021). These data do not allow any conclusion about variant significance. To our knowledge, no experimental evidence demonstrating an impact on protein function has been reported. The following publication have been ascertained in the context of this evaluation (PMID: 33726816). No submitters have cited clinical-significance assessments for this variant to ClinVar. Based on the evidence outlined above, the variant was classified as uncertain significance.

Literature cited by the submitters: PubMed 33726816 (cited by Women's Health and Genetics/Laboratory Corporation of America, LabCorp).